The following is an entry in ClinVar:

ClinVar aggregate classification (germline): Pathogenic (1 of 4 stars; one submission).

Conditions:
Fanconi anemia (FA). Also called: Fanconi's anemia. Identifiers: Orphanet 84, MedGen C0015625, MeSH D005199, MONDO:0019391.

Submission:

Labcorp Genetics (formerly Invitae), Labcorp
Classification: Pathogenic for Fanconi anemia. Last evaluated: 2018-08-04. Review status: criteria provided, single submitter. Criteria: Invitae Variant Classification Sherloc (09022015). Collection method: clinical testing. Allele origin: germline.
Comment: This sequence change creates a premature translational stop signal (p.Pro627Argfs*51) in the SLX4 gene. It is expected to result in an absent or disrupted protein product. While this variant is not present in population databases, the frequency information is unreliable, as metrics indicate poor data quality at this position in the ExAC database. This variant has not been reported in the literature in individuals with SLX4-related disease. Loss-of-function variants in SLX4 are known to be pathogenic (PMID: 21240277). For these reasons, this variant has been classified as Pathogenic.

Literature cited by the submitters: PubMed 21240277.

NM_032444.4(SLX4):c.1880_1887del (p.Pro627fs)

Gene: SLX4 (SLX4 structure-specific endonuclease subunit; minus strand). Cytogenetic location: 16p13.3.
Variant type: Deletion.
Coding change: c.1880_1887del on transcript NM_032444.4 (MANE Select); coding-DNA positions 1880 to 1887, 8 bases deleted (CGTGGCCC; older notation c.1880_1887delCGTGGCCC).
Protein change: p.Pro627fs; shifts the reading frame from proline 627.
Molecular consequence: frameshift variant.
Genome position (GRCh38, 1-based): chr16:3,596,190-3,596,197, GGGCCACG deleted on the plus strand (CGTGGCCC on the coding strand, the reverse complement: SLX4 is on the minus strand); deleting any 8 consecutive bases within chr16:3,596,190-3,596,199 gives the same sequence; the c. name uses the placement nearest the transcript's 3' end. VCF-style (leftmost placement, unchanged base first): chr16-3596189-CGGGCCACG-C. GRCh37 (hg19) VCF-style: chr16-3646190-CGGGCCACG-C.
Other names: c.1880_1887del (LRG_503t1); short protein forms P627fs.
Identifiers: ClinVar variation 639031 (VCV000639031.6), dbSNP rs1266198754, ClinGen allele CA720541883.
Genomic context (GRCh38, chr16:3,596,189, plus strand): 5'-CTAGAGTCCCACCCAGCATCTCACCTGCAGTCCCTTCCGAGCCAGCCAGGCCCCCACTGC[CGGGCCACG>C]GGCTGGCGCTCAGTCCCTCCCTCGCCAGGTCCACGAGGTCCTGCAGGGCCTGGTGCTCCC-3'